The following is an entry in ClinVar:

ClinVar aggregate classification (germline): Likely pathogenic (1 of 4 stars; one submission).

Conditions:
Cardiovascular phenotype. Identifiers: MedGen CN230736.

Submission:

Ambry Genetics
Classification: Likely pathogenic for Cardiovascular phenotype. Last evaluated: 2023-08-07. Review status: criteria provided, single submitter. Criteria: Ambry Variant Classification Scheme 2023. Collection method: clinical testing. Allele origin: germline.
Comment: The p.W13725* variant (also known as c.41175G>A), located in coding exon 149 of the TTN gene, results from a G to A substitution at nucleotide position 41175. This changes the amino acid from a tryptophan to a stop codon within coding exon 149. This exon is located in the A-band region of the N2-B isoform of the titin protein and is constitutively expressed in TTN transcripts (percent spliced in or PSI 100%). This variant is considered to be rare based on population cohorts in the Genome Aggregation Database (gnomAD). This alteration is expected to result in loss of function by premature protein truncation or nonsense-mediated mRNA decay. While truncating variants in TTN are present in 1-3% of the general population, truncating variants in the A-band are the most common cause of dilated cardiomyopathy (DCM) (Herman DS et al. N. Engl. J. Med., 2012 Feb;366:619-28; Roberts AM et al. Sci Transl Med, 2015 Jan;7:270ra6). TTN truncating variants encoded in constitutive exons (PSI >90%) have been found to be significantly associated with DCM regardless of their position in titin (Schafer S et al. Nat. Genet., 2017 01;49:46-53). Based on the majority of available evidence to date, this variant is likely to be pathogenic.

NM_001267550.2(TTN):c.68370G>A (p.Trp22790Ter)

Genes: TTN (titin; minus strand), TTN-AS1 (TTN antisense RNA 1; plus strand). Cytogenetic location: 2q31.2.
Variant type: single nucleotide variant.
Coding change: c.68370G>A on transcript NM_001267550.2 (MANE Select); coding-DNA position 68370, G replaced by A.
Protein change: p.Trp22790Ter; replaces tryptophan 22790 with a stop codon.
Molecular consequence: nonsense.
Genome position (GRCh38, 1-based): chr2:178,578,145, C>T on the plus strand (G>A on the coding strand, the complement: TTN is on the minus strand). VCF-style: chr2-178578145-C-T. GRCh37 (hg19) VCF-style: chr2-179442872-C-T.
Other names: c.63447G>A, p.Trp21149Ter (NM_001256850.1); c.41175G>A, p.Trp13725Ter (NM_003319.4); c.60666G>A, p.Trp20222Ter (NM_133378.4); c.41550G>A, p.Trp13850Ter (NM_133432.3); c.41751G>A, p.Trp13917Ter (NM_133437.4); short protein forms W13850*, W21149*, W13725*, W20222*, W22790*, W13917*.
Identifiers: ClinVar variation 2586553 (VCV002586553.2), dbSNP rs2468816812, ClinGen allele CA349672845.